The following is an entry in ClinVar:

ClinVar aggregate classification (germline): Uncertain significance. Review status: criteria provided, multiple submitters, no conflicts (2 of 4 stars). 2 submissions from 2 submitters: Uncertain significance (2). Last evaluated 2022-10-25.

Conditions:
Leber congenital amaurosis 4 (LCA4). Identifiers: MedGen C1858386, MONDO:0011458, OMIM 604393.

Submissions (2):

Labcorp Genetics (formerly Invitae), Labcorp
Classification: Uncertain significance for Leber congenital amaurosis 4. Last evaluated: 2022-10-25. Review status: criteria provided, single submitter. Criteria: Invitae Variant Classification Sherloc (09022015). Collection method: clinical testing. Allele origin: germline.
Comment: This sequence change replaces arginine, which is basic and polar, with cysteine, which is neutral and slightly polar, at codon 193 of the AIPL1 protein (p.Arg193Cys). This variant is present in population databases (no rsID available, gnomAD 0.003%). This variant has not been reported in the literature in individuals affected with AIPL1-related conditions. ClinVar contains an entry for this variant (Variation ID: 1051659). Advanced modeling of protein sequence and biophysical properties (such as structural, functional, and spatial information, amino acid conservation, physicochemical variation, residue mobility, and thermodynamic stability) performed at Invitae indicates that this missense variant is not expected to disrupt AIPL1 protein function. In summary, the available evidence is currently insufficient to determine the role of this variant in disease. Therefore, it has been classified as a Variant of Uncertain Significance.

Blueprint Genetics
Classification: Uncertain significance. Last evaluated: 2019-12-29. Review status: criteria provided, single submitter. Criteria: ACMG Guidelines, 2015. Collection method: clinical testing. Allele origin: germline.

NM_014336.5(AIPL1):c.577C>T (p.Arg193Cys)

Gene: AIPL1 (AIP like 1 HSP90 co-chaperone; minus strand). Cytogenetic location: 17p13.2.
Variant type: single nucleotide variant.
Coding change: c.577C>T on transcript NM_014336.5 (MANE Select); coding-DNA position 577, C replaced by T.
Protein change: p.Arg193Cys; replaces arginine 193 with cysteine.
Molecular consequence: missense variant.
Genome position (GRCh38, 1-based): chr17:6,426,946, G>A on the plus strand (C>T on the coding strand, the complement: AIPL1 is on the minus strand). VCF-style: chr17-6426946-G-A. GRCh37 (hg19) VCF-style: chr17-6330266-G-A.
Other names: c.388C>T, p.Arg130Cys (NM_001033054.3); c.397C>T, p.Arg133Cys (NM_001033055.3); c.541C>T, p.Arg181Cys (NM_001285399.3); c.511C>T, p.Arg171Cys (NM_001285400.3); c.577C>T, p.Arg193Cys (NM_001285401.3); c.460C>T, p.Arg154Cys (NM_001285402.2); c.553C>T, p.Arg185Cys (NM_001285403.4); short protein forms R130C, R133C, R154C, R171C, R181C, R185C, R193C.
Identifiers: ClinVar variation 1051659 (VCV001051659.8), dbSNP rs765435117, ClinGen allele CA397395467.